The following is an entry in ClinVar:

NM_017654.4(SAMD9):c.742G>T (p.Val248Phe)

Gene: SAMD9 (sterile alpha motif domain containing 9; minus strand). Cytogenetic location: 7q21.2.
Variant type: single nucleotide variant.
Coding change: c.742G>T on transcript NM_017654.4 (MANE Select); coding-DNA position 742, G replaced by T.
Protein change: p.Val248Phe; replaces valine 248 with phenylalanine.
Molecular consequence: missense variant.
Genome position (GRCh38, 1-based): chr7:93,105,356, C>A on the plus strand (G>T on the coding strand, the complement: SAMD9 is on the minus strand). VCF-style: chr7-93105356-C-A. GRCh37 (hg19) VCF-style: chr7-92734669-C-A.
Other names: c.742G>T (NM_017654.3); c.742G>T, p.Val248Phe (NM_001193307.2); short protein forms V248F.
Identifiers: ClinVar variation 3694298 (VCV003694298.3).

ClinVar aggregate classification (germline): Uncertain significance. Review status: criteria provided, multiple submitters, no conflicts (2 of 4 stars). 2 submissions from 2 submitters: Uncertain significance (2). Last evaluated 2025-10-01.

Conditions:
Inborn genetic diseases. Identifiers: MedGen C0950123, MeSH D030342.

Submissions (2):

Labcorp Genetics (formerly Invitae), Labcorp
Classification: Uncertain significance. Last evaluated: 2025-10-01. Review status: criteria provided, single submitter. Criteria: Invitae Variant Classification Sherloc (09022015). Collection method: clinical testing. Allele origin: germline.
Comment: This sequence change replaces valine, which is neutral and non-polar, with phenylalanine, which is neutral and non-polar, at codon 248 of the SAMD9 protein (p.Val248Phe). This variant is not present in population databases (gnomAD no frequency). This variant has not been reported in the literature in individuals affected with SAMD9-related conditions. ClinVar contains an entry for this variant (Variation ID: 3694298). Invitae Evidence Modeling of protein sequence and biophysical properties (such as structural, functional, and spatial information, amino acid conservation, physicochemical variation, residue mobility, and thermodynamic stability) indicates that this missense variant is not expected to disrupt SAMD9 protein function with a negative predictive value of 95%. In summary, the available evidence is currently insufficient to determine the role of this variant in disease. Therefore, it has been classified as a Variant of Uncertain Significance.

Ambry Genetics
Classification: Uncertain significance for Inborn genetic diseases. Last evaluated: 2024-12-29. Review status: criteria provided, single submitter. Criteria: Ambry Variant Classification Scheme 2023. Collection method: clinical testing. Allele origin: germline.
Comment: The p.V248F variant (also known as c.742G>T), located in coding exon 1 of the SAMD9 gene, results from a G to T substitution at nucleotide position 742. The valine at codon 248 is replaced by phenylalanine, an amino acid with highly similar properties. This amino acid position is conserved. In addition, this alteration is predicted to be tolerated by in silico analysis. Based on the available evidence, the clinical significance of this variant remains unclear.